The following is an entry in ClinVar:

ClinVar aggregate classification (germline): Benign/Likely benign. Review status: criteria provided, multiple submitters, no conflicts (2 of 4 stars). 3 submissions from 3 submitters: Benign (1); Likely benign (2). Last evaluated 2024-12-31.

Conditions:
Hereditary nonpolyposis colorectal neoplasms. Identifiers: MedGen C0009405, MeSH D003123.
Lynch syndrome 5 (LYNCH5). Also called: Colorectal cancer, hereditary nonpolyposis, type 5; Hereditary non-polyposis colorectal cancer, type 5. Identifiers: Orphanet 144, MedGen C1833477, MONDO:0013710, OMIM 614350. Disease mechanism: loss of function.
Hereditary cancer-predisposing syndrome. Also called: Neoplastic Syndromes, Hereditary; Tumor predisposition; Hereditary Cancer Syndrome; Hereditary neoplastic syndrome. Identifiers: Orphanet 140162, MedGen C0027672, MeSH D009386, MONDO:0015356.

Allele frequency attached by ClinVar (database versions not stated): gnomAD exomes below 0.00001; gnomAD 0.00001.

Submissions (3):

Myriad Genetics, Inc.
Classification: Benign for Lynch syndrome 5. Last evaluated: 2024-12-31. Review status: criteria provided, single submitter. Criteria: Myriad Autosomal Dominant, Autosomal Recessive and X-Linked Classification Criteria (2023). Collection method: clinical testing. Allele origin: unknown.
Comment: This variant is considered benign. This variant is a silent/synonymous amino acid change and it is not expected to impact splicing.

Labcorp Genetics (formerly Invitae), Labcorp
Classification: Likely benign for Hereditary nonpolyposis colorectal neoplasms. Last evaluated: 2024-12-24. Review status: criteria provided, single submitter. Criteria: Invitae Variant Classification Sherloc (09022015). Collection method: clinical testing. Allele origin: germline.

Ambry Genetics
Classification: Likely benign for Hereditary cancer-predisposing syndrome. Last evaluated: 2018-02-08. Review status: criteria provided, single submitter. Criteria: Ambry Variant Classification Scheme 2023. Collection method: clinical testing. Allele origin: germline.

NM_000179.3(MSH6):c.2394C>T (p.Leu798=)

Gene: MSH6 (mutS homolog 6; plus strand). Cytogenetic location: 2p16.3.
Variant type: single nucleotide variant.
Coding change: c.2394C>T on transcript NM_000179.3 (MANE Select); coding-DNA position 2394, C replaced by T.
Protein change: p.Leu798=; no amino-acid change (leucine 798 retained).
Molecular consequence: synonymous variant.
Genome position (GRCh38, 1-based): chr2:47,800,377, C>T. VCF-style: chr2-47800377-C-T. GRCh37 (hg19) VCF-style: chr2-48027516-C-T.
Other names: c.2004C>T, p.Leu668= (NM_001281492.2); c.1488C>T, p.Leu496= (NM_001281493.2, NM_001281494.2).
Identifiers: ClinVar variation 821203 (VCV000821203.14), dbSNP rs1553413752, ClinGen allele CA426121760.